The following is an entry in ClinVar:

NM_003970.4(MYOM2):c.1581C>T (p.Val527=)

Gene: MYOM2 (myomesin 2; plus strand). Cytogenetic location: 8p23.3.
Variant type: single nucleotide variant.
Coding change: c.1581C>T on transcript NM_003970.4 (MANE Select); coding-DNA position 1581, C replaced by T.
Protein change: p.Val527=; no amino-acid change (valine 527 retained).
Molecular consequence: synonymous variant.
Genome position (GRCh38, 1-based): chr8:2,085,327, C>T. VCF-style: chr8-2085327-C-T. GRCh37 (hg19) VCF-style: chr8-2033459-C-T.
Identifiers: ClinVar variation 3044008 (VCV003044008.2), dbSNP rs117271121, ClinGen allele CA170452969.

ClinVar aggregate classification (germline): Benign (0 of 4 stars; one submission).

Conditions:
MYOM2-related disorder. Also called: MYOM2-related condition.

Allele frequency attached by ClinVar (database versions not stated): ESP Exome Variant Server 0.00038; TOPMed 0.00119; gnomAD 0.00131; ExAC 0.00260; 1000 Genomes Project 30x 0.00468; 1000 Genomes Project 0.00539.
gnomAD v4.1: 2,401 of 1,614,186 alleles (0.15%); highest among the groups gnomAD compares: East Asian, 3%; 27 homozygotes.

Submission:

PreventionGenetics, part of Exact Sciences
Classification: Benign for MYOM2-related condition. Last evaluated: 2019-04-01. Review status: no assertion criteria provided. Collection method: clinical testing. Allele origin: germline.
Comment: This variant is classified as benign based on ACMG/AMP sequence variant interpretation guidelines (Richards et al. 2015 PMID: 25741868, with internal and published modifications).